The following is an entry in ClinVar:

NM_001367721.1(CASK):c.2040-2A>G

Gene: CASK (calcium/calmodulin dependent serine protein kinase; minus strand). Cytogenetic location: Xp11.4.
Variant type: single nucleotide variant.
Coding change: c.2040-2A>G on transcript NM_001367721.1 (MANE Select); the canonical splice acceptor site of the intron before coding-DNA position 2040, A replaced by G.
Molecular consequence: splice acceptor variant.
Genome position (GRCh38, 1-based): chrX:41,542,808, T>C on the plus strand (A>G on the coding strand, the complement: CASK is on the minus strand). VCF-style: chrX-41542808-T-C. GRCh37 (hg19) VCF-style: chrX-41402061-T-C.
Other names: c.1953-2A>G (NM_001126055.3); c.2022-2A>G (NM_001410745.1); c.1971-2A>G (NM_001126054.3); c.2040-2A>G (NM_003688.4).
Identifiers: ClinVar variation 1460206 (VCV001460206.8), dbSNP rs2147112134, ClinGen allele CA412992481.
Genomic context (GRCh38, chrX:41,542,808, plus strand): 5'-AAGTACAGCTGGCCTGCTGCTCCTGTTTGGTCTTCTCCATGGCAATGCAAGCTACTCGCC[T>C]AGCACATACAAAAAGAAAAATAAAATAAAATGAATTTATAATTCTGGTTGATAAAATAGA-3'

ClinVar aggregate classification (germline): Pathogenic (1 of 4 stars; one submission).

Conditions:
Intellectual disability, CASK-related, X-linked. Identifiers: MedGen CN043158.

Submission:

Labcorp Genetics (formerly Invitae), Labcorp
Classification: Pathogenic for Intellectual disability, CASK-related, X-linked. Last evaluated: 2022-11-08. Review status: criteria provided, single submitter. Criteria: Invitae Variant Classification Sherloc (09022015). Collection method: clinical testing. Allele origin: germline.
Comment: For these reasons, this variant has been classified as Pathogenic. Algorithms developed to predict the effect of sequence changes on RNA splicing suggest that this variant may disrupt the consensus splice site. ClinVar contains an entry for this variant (Variation ID: 1460206). This sequence change affects an acceptor splice site in intron 21 of the CASK gene. It is expected to disrupt RNA splicing. Variants that disrupt the donor or acceptor splice site typically lead to a loss of protein function (PMID: 16199547), and loss-of-function variants in CASK are known to be pathogenic (PMID: 19165920, 20029458, 21954287, 22452838, 22709267). Disruption of this splice site has been observed in individual(s) with CASK-related conditions (PMID: 22452838, 33504798). In at least one individual the variant was observed to be de novo. This variant is not present in population databases (gnomAD no frequency).

Literature cited by the submitters: PubMed 16199547; PubMed 19165920; PubMed 20029458; PubMed 21954287; PubMed 22452838; PubMed 22709267; PubMed 33504798.